The following is an entry in ClinVar:

ClinVar aggregate classification (germline): Uncertain significance (0 of 4 stars; one submission).

Conditions:
CREBBP-related disorder. Also called: CREBBP-related condition; CREBBP-related disorders.

Submission:

PreventionGenetics, part of Exact Sciences
Classification: Uncertain significance for CREBBP-related condition. Last evaluated: 2024-07-25. Review status: no assertion criteria provided. Collection method: clinical testing. Allele origin: germline.
Comment: The CREBBP c.6624delinsGCAGCAGCAACAG variant is predicted to result in an in-frame deletion and insertion. To our knowledge, this variant has not been reported in the literature or in a large population database, indicating this variant is rare. At this time, the clinical significance of this variant is uncertain due to the absence of conclusive functional and genetic evidence.

NM_004380.3(CREBBP):c.6624delinsGCAGCAGCAACAG (p.Gln2216_Gly2217insGlnGlnGlnGln)

Gene: CREBBP (CREB binding lysine acetyltransferase; minus strand). Cytogenetic location: 16p13.3.
Variant type: Indel.
Coding change: c.6624delinsGCAGCAGCAACAG on transcript NM_004380.3 (MANE Select); coding-DNA position 6624, A replaced by GCAGCAGCAACAG.
Protein change: p.Gln2216_Gly2217insGlnGlnGlnGln.
Molecular consequence: inframe insertion.
Genome position (GRCh38, 1-based): chr16:3,728,423, T replaced by CTGTTGCTGCTGC on the plus strand (A replaced by GCAGCAGCAACAG on the coding strand, the reverse complement: CREBBP is on the minus strand). VCF-style: chr16-3728423-T-CTGTTGCTGCTGC. GRCh37 (hg19) VCF-style: chr16-3778424-T-CTGTTGCTGCTGC.
Other names: c.6510delinsGCAGCAGCAACAG, p.Gln2178_Gly2179insGlnGlnGlnGln (NM_001079846.1).
Identifiers: ClinVar variation 3345267 (VCV003345267.1).